The following is an entry in ClinVar:

NM_022124.6(CDH23):c.8726G>A (p.Ser2909Asn)

Gene: CDH23 (cadherin related 23; plus strand). Cytogenetic location: 10q22.1.
Variant type: single nucleotide variant.
Coding change: c.8726G>A on transcript NM_022124.6 (MANE Select); coding-DNA position 8726, G replaced by A.
Protein change: p.Ser2909Asn; replaces serine 2909 with asparagine.
Molecular consequence: missense variant.
Genome position (GRCh38, 1-based): chr10:71,809,823, G>A. VCF-style: chr10-71809823-G-A. GRCh37 (hg19) VCF-style: chr10-73569580-G-A.
Other names: c.2006G>A, p.Ser669Asn (NM_001171933.1, NM_001171934.1); short protein forms S2909N, S669N.
Identifiers: ClinVar variation 46052 (VCV000046052.12), dbSNP rs397517361, ClinGen allele CA137603.

ClinVar aggregate classification (germline): Uncertain significance. Review status: criteria provided, multiple submitters, no conflicts (2 of 4 stars). 5 submissions from 5 submitters: Uncertain significance (4). 1 of the submissions does not count toward it. Last evaluated 2025-04-28.

Conditions:
Inborn genetic diseases. Identifiers: MedGen C0950123, MeSH D030342.
Usher syndrome type 1 (USH1). Also called: RETINITIS PIGMENTOSA AND CONGENITAL DEAFNESS. Identifiers: Orphanet 231169, Orphanet 886, MedGen C1568247, MONDO:0010168, OMIM 276900.

Allele frequency attached by ClinVar (database versions not stated): ExAC 0.00001; gnomAD 0.00001; gnomAD exomes 0.00001; TOPMed 0.00001; 1000 Genomes Project 30x 0.00016.
gnomAD v4.1: 4 of 1,611,786 alleles (0.00025%); highest among the groups gnomAD compares: East Asian, 0.0089%; no homozygotes.

Submissions (5):

Labcorp Genetics (formerly Invitae), Labcorp
Classification: Uncertain significance. Last evaluated: 2025-04-28. Review status: criteria provided, single submitter. Criteria: Invitae Variant Classification Sherloc (09022015). Collection method: clinical testing. Allele origin: germline.
Comment: This sequence change replaces serine, which is neutral and polar, with asparagine, which is neutral and polar, at codon 2909 of the CDH23 protein (p.Ser2909Asn). This variant is present in population databases (rs397517361, gnomAD 0.01%). This variant has not been reported in the literature in individuals affected with CDH23-related conditions. ClinVar contains an entry for this variant (Variation ID: 46052). An algorithm developed to predict the effect of missense changes on protein structure and function outputs the following: PolyPhen-2: "Not Available". The asparagine amino acid residue is found in multiple mammalian species, which suggests that this missense change does not adversely affect protein function. In summary, the available evidence is currently insufficient to determine the role of this variant in disease. Therefore, it has been classified as a Variant of Uncertain Significance.

GeneDx
Classification: Uncertain significance. Last evaluated: 2024-04-11. Review status: criteria provided, single submitter. Criteria: GeneDx Variant Classification Process June 2021. Collection method: clinical testing. Allele origin: germline. Affected: yes.
Comment: In silico analysis supports that this missense variant does not alter protein structure/function; Has not been previously published as pathogenic or benign to our knowledge

Ambry Genetics
Classification: Uncertain significance for Inborn genetic diseases. Last evaluated: 2024-03-15. Review status: criteria provided, single submitter. Criteria: Ambry Variant Classification Scheme 2023. Collection method: clinical testing. Allele origin: germline.

Laboratory for Molecular Medicine, Mass General Brigham Personalized Medicine
Classification: Uncertain significance. Last evaluated: 2013-03-09. Review status: criteria provided, single submitter. Criteria: LMM Criteria. Collection method: clinical testing. Allele origin: germline. Observed: 1 variant allele.
Comment: The Ser2909Asn variant in CDH23 has not been reported in affected individuals or in large population studies. Computational analyses (biochemical amino acid pro perties, conservation, AlignGVGD, PolyPhen2) suggest that the Ser2909Asn variant may not impact the protein, though this information is not predictive enough to rule out pathogenicity. In summary, additional information is needed to fully assess the clinical significance of the variant.

Natera, Inc.
Classification: Uncertain significance for Usher syndrome type 1. Last evaluated: 2020-04-17. Review status: no assertion criteria provided. Collection method: clinical testing. Allele origin: germline. Not counted in ClinVar's aggregate classification.